The following is an entry in ClinVar:

ClinVar aggregate classification (germline): Likely pathogenic (1 of 4 stars; one submission).

Conditions:
Lysosomal acid lipase deficiency. Also called: Acid cholesteryl ester hydrolase deficiency, type 2. Identifiers: Orphanet 275761, MedGen C5574740, MONDO:0800449, MONDO:0010204.

gnomAD v4.1: 16 of 1,608,916 alleles (0.00099%); highest among the groups gnomAD compares: Non-Finnish European, 0.0014%; no homozygotes.

Submission:

Natera, Inc.
Classification: Likely pathogenic for Lysosomal acid lipase deficiency. Last evaluated: 2025-10-29. Review status: criteria provided, single submitter. Criteria: Natera Variant Classification Schema (03/2026). Collection method: clinical testing. Allele origin: germline.
Comment: The c.972T>G variant in LIPA is a nonsense variant predicted to introduce a stop codon at amino acid 324. This variant is expected to result in nonsense mediated decay, truncation, or a dysfunctional protein product. This variant is rare in the general population with a frequency below the threshold expected for the associated phenotype(s). Given the available evidence, this variant is classified as Likely Pathogenic.

NM_000235.4(LIPA):c.972T>G (p.Tyr324Ter)

Gene: LIPA (lipase A, lysosomal acid type; minus strand). Cytogenetic location: 10q23.31.
Variant type: single nucleotide variant.
Coding change: c.972T>G on transcript NM_000235.4 (MANE Select); coding-DNA position 972, T replaced by G.
Protein change: p.Tyr324Ter; replaces tyrosine 324 with a stop codon.
Molecular consequence: nonsense.
Genome position (GRCh38, 1-based): chr10:89,215,056, A>C on the plus strand (T>G on the coding strand, the complement: LIPA is on the minus strand). VCF-style: chr10-89215056-A-C. GRCh37 (hg19) VCF-style: chr10-90974813-A-C.
Other names: c.972T>G, p.Tyr324Ter (NM_001127605.3, NM_001440818.1, NM_001440819.1 and 16 more transcripts); c.624T>G, p.Tyr208Ter (NM_001288979.2); c.1104T>G, p.Tyr368Ter (NM_001440836.1); c.993T>G, p.Tyr331Ter (NM_001440837.1); c.987T>G, p.Tyr329Ter (NM_001440838.1); c.804T>G, p.Tyr268Ter (NM_001440839.1); short protein forms Y208*, Y268*, Y324*, Y329*, Y331*, Y368*.
Identifiers: ClinVar variation 4817962 (VCV004817962.1).